The following is an entry in ClinVar:

ClinVar aggregate classification (germline): Uncertain significance (1 of 4 stars; one submission).

gnomAD v4.1: 1 of 1,613,972 alleles (0.000062%); no homozygotes.

Submission:

Labcorp Genetics (formerly Invitae), Labcorp
Classification: Uncertain significance. Last evaluated: 2022-07-23. Review status: criteria provided, single submitter. Criteria: Invitae Variant Classification Sherloc (09022015). Collection method: clinical testing. Allele origin: germline.
Comment: In summary, the available evidence is currently insufficient to determine the role of this variant in disease. Therefore, it has been classified as a Variant of Uncertain Significance. Algorithms developed to predict the effect of missense changes on protein structure and function are either unavailable or do not agree on the potential impact of this missense change (SIFT: "Deleterious"; PolyPhen-2: "Benign"; Align-GVGD: "Class C25"). This variant has not been reported in the literature in individuals affected with FRAS1-related conditions. This variant is not present in population databases (gnomAD no frequency). This sequence change replaces lysine, which is basic and polar, with arginine, which is basic and polar, at codon 2465 of the FRAS1 protein (p.Lys2465Arg).

NM_025074.7(FRAS1):c.7394A>G (p.Lys2465Arg)

Gene: FRAS1 (Fraser extracellular matrix complex subunit 1; plus strand). Cytogenetic location: 4q21.21.
Variant type: single nucleotide variant.
Coding change: c.7394A>G on transcript NM_025074.7 (MANE Select); coding-DNA position 7394, A replaced by G.
Protein change: p.Lys2465Arg; replaces lysine 2465 with arginine.
Molecular consequence: missense variant.
Genome position (GRCh38, 1-based): chr4:78,472,202, A>G. VCF-style: chr4-78472202-A-G. GRCh37 (hg19) VCF-style: chr4-79393356-A-G.
Other names: short protein forms K2465R.
Identifiers: ClinVar variation 1713561 (VCV001713561.5), dbSNP rs2477293263, ClinGen allele CA357370224.